The following is an entry in ClinVar:

ClinVar aggregate classification (germline): Likely benign. Review status: criteria provided, single submitter (1 of 4 stars). 2 submissions from 2 submitters: Likely benign (1). 1 of the submissions does not count toward it. Last evaluated 2026-01-11.

Conditions:
TICAM1-related disorder. Also called: TICAM1-related condition.
Encephalopathy, acute, infection-induced (herpes-specific), susceptibility to, 6. Also called: Herpes simplex encephalitis, susceptibility to, 4. Identifiers: Orphanet 1930, MedGen C3553869, MONDO:0013921, OMIM 614850.

Submissions (2):

Labcorp Genetics (formerly Invitae), Labcorp
Classification: Likely benign for Encephalopathy, acute, infection-induced (herpes-specific), susceptibility to, 6. Last evaluated: 2026-01-11. Review status: criteria provided, single submitter. Criteria: Invitae Variant Classification Sherloc (09022015). Collection method: clinical testing. Allele origin: germline.

PreventionGenetics, part of Exact Sciences
Classification: Uncertain significance for TICAM1-related condition. Last evaluated: 2024-02-07. Review status: no assertion criteria provided. Collection method: clinical testing. Allele origin: germline. Not counted in ClinVar's aggregate classification.
Comment: The TICAM1 c.11_12delinsTG variant is predicted to result in an in-frame deletion and insertion. To our knowledge, this variant has not been reported in the literature or in a large population database, indicating this variant is rare. At this time, the clinical significance of this variant is uncertain due to the absence of conclusive functional and genetic evidence.

NM_182919.4(TICAM1):c.11_12inv (p.Thr4Met)

Gene: TICAM1 (TIR domain containing adaptor molecule 1; minus strand). Cytogenetic location: 19p13.3.
Variant type: Inversion.
Coding change: c.11_12inv on transcript NM_182919.4 (MANE Select).
Protein change: p.Thr4Met; replaces threonine 4 with methionine.
Molecular consequence: missense variant. On other transcripts: intron variant (3).
Genome position: GRCh38 VCF-style: chr19-4818366-TG-CA. GRCh37 (hg19) VCF-style: chr19-4818378-TG-CA.
Other names: c.-89-36_-89-35inv (NM_001385679.1); c.5-36_5-35inv (NM_001385678.1); c.-72+17_-72+18inv (NM_001385680.1); c.11_12delinsTG (NM_182919.3); short protein forms T4M.
Identifiers: ClinVar variation 785755 (VCV000785755.13), ClinGen allele CA915951615.
Genomic context (GRCh38, chr19:4,818,366, plus strand): 5'-CAAGAGCTTGTCCTGGCCTGCTGCACCTAGAATGTCGAAGGCGCTAGGAAGTGATGGGCC[TG>CA]TGCAGGCCATGGGCACAGGTGGGTGCAGCCTCCGGCAGCAGAAGCTGGAGGTGGTGAAGG-3'
Protein context (NP_891549.1, residues 1-14): MAC[Thr4Met]GPSLPSAFDI